The following is an entry in ClinVar:

ClinVar aggregate classification (germline): Uncertain significance (1 of 4 stars; one submission).

Submission:

GeneDx
Classification: Uncertain significance. Last evaluated: 2026-04-02. Review status: criteria provided, single submitter. Criteria: GeneDx Variant Classification Process June 2021. Collection method: clinical testing. Allele origin: germline.
Comment: Not observed at significant frequency in large population cohorts (gnomAD); In silico analysis suggests that this missense variant does not alter protein structure/function; Has not been previously published as pathogenic or benign to our knowledge

NM_015057.5(MYCBP2):c.1296C>G (p.Ser432Arg)

Gene: MYCBP2 (MYC binding protein 2; minus strand). Cytogenetic location: 13q22.3.
Variant type: single nucleotide variant.
Coding change: c.1296C>G on transcript NM_015057.5 (MANE Select); coding-DNA position 1296, C replaced by G.
Protein change: p.Ser432Arg; replaces serine 432 with arginine.
Molecular consequence: missense variant.
Genome position (GRCh38, 1-based): chr13:77,267,902, G>C on the plus strand (C>G on the coding strand, the complement: MYCBP2 is on the minus strand). VCF-style: chr13-77267902-G-C. GRCh37 (hg19) VCF-style: chr13-77842037-G-C.
Other names: short protein forms S432R.
Identifiers: ClinVar variation 5018145 (VCV005018145.1).